The following is an entry in ClinVar:

NM_030632.3(ASXL3):c.4538C>G (p.Pro1513Arg)

Gene: ASXL3 (ASXL transcriptional regulator 3; plus strand). Cytogenetic location: 18q12.1.
Variant type: single nucleotide variant.
Coding change: c.4538C>G on transcript NM_030632.3 (MANE Select); coding-DNA position 4538, C replaced by G.
Protein change: p.Pro1513Arg; replaces proline 1513 with arginine.
Molecular consequence: missense variant.
Genome position (GRCh38, 1-based): chr18:33,744,386, C>G. VCF-style: chr18-33744386-C-G. GRCh37 (hg19) VCF-style: chr18-31324350-C-G.
Other names: c.4538C>G (NM_030632.2); short protein forms P1513R.
Identifiers: ClinVar variation 1334818 (VCV001334818.21), dbSNP rs749918007, ClinGen allele CA8934282.

ClinVar aggregate classification (germline): Conflicting classifications of pathogenicity. Review status: criteria provided, conflicting classifications (1 of 4 stars). 4 submissions from 4 submitters: Uncertain significance (1); Likely benign (3). Last evaluated 2025-09-07.

Conditions:
ASXL3-related disorder. Also called: ASXL3-related condition. Identifiers: MedGen CN381524.
Inborn genetic diseases. Identifiers: MedGen C0950123, MeSH D030342.

Allele frequency attached by ClinVar (database versions not stated): gnomAD 0.00003 and 0.00004; ExAC 0.00004.
gnomAD v4.1: 80 of 1,613,736 alleles (0.005%); highest among the groups gnomAD compares: Middle Eastern, 0.049%; no homozygotes.

Submissions (4):

PreventionGenetics, part of Exact Sciences
Classification: Likely benign for ASXL3-related condition. Last evaluated: 2025-09-07. Review status: criteria provided, single submitter. Criteria: ACMG Guidelines, 2015. Collection method: clinical testing. Allele origin: germline.
Comment: This variant is classified as likely benign based on ACMG/AMP sequence variant interpretation guidelines (Richards et al. 2015 PMID: 25741868, with internal and published modifications).

CeGaT Center for Human Genetics Tuebingen
Classification: Likely benign. Last evaluated: 2024-11-01. Review status: criteria provided, single submitter. Criteria: CeGaT Center For Human Genetics Tuebingen Variant Classification Criteria Version 2. Collection method: clinical testing. Allele origin: germline. Affected: yes. Observed: 1 variant allele.
Comment: ASXL3: BP4

Ambry Genetics
Classification: Likely benign for Inborn genetic diseases. Last evaluated: 2023-06-02. Review status: criteria provided, single submitter. Criteria: Ambry Variant Classification Scheme 2023. Collection method: clinical testing. Allele origin: germline.

Genetic Services Laboratory, University of Chicago
Classification: Uncertain significance. Last evaluated: 2017-10-26. Review status: criteria provided, single submitter. Criteria: ACMG Guidelines, 2015. Collection method: clinical testing. Allele origin: germline. Affected: no.